The following is an entry in ClinVar:

NM_015178.3(RHOBTB2):c.1924G>A (p.Val642Met)

Gene: RHOBTB2 (Rho related BTB domain containing 2; plus strand). Cytogenetic location: 8p21.3.
Variant type: single nucleotide variant.
Coding change: c.1924G>A on transcript NM_015178.3 (MANE Select); coding-DNA position 1924, G replaced by A.
Protein change: p.Val642Met; replaces valine 642 with methionine.
Molecular consequence: missense variant.
Genome position (GRCh38, 1-based): chr8:23,015,701, G>A. VCF-style: chr8-23015701-G-A. GRCh37 (hg19) VCF-style: chr8-22873214-G-A.
Other names: c.1990G>A, p.Val664Met (NM_001160036.2); c.1945G>A, p.Val649Met (NM_001160037.2); c.1924G>A, p.Val642Met (NM_001374791.1); short protein forms V642M, V649M, V664M.
Identifiers: ClinVar variation 1427928 (VCV001427928.8), dbSNP rs201522021, ClinGen allele CA4672822.

ClinVar aggregate classification (germline): Uncertain significance (1 of 4 stars; one submission).

Allele frequency attached by ClinVar (database versions not stated): gnomAD 0.00001; TOPMed 0.00001; gnomAD exomes 0.00006 and 0.00011; ESP Exome Variant Server 0.00008; ExAC 0.00011.
gnomAD v4.1: 83 of 1,613,876 alleles (0.0051%); highest among the groups gnomAD compares: South Asian, 0.055%; 1 homozygote.

Submission:

Labcorp Genetics (formerly Invitae), Labcorp
Classification: Uncertain significance. Last evaluated: 2026-01-05. Review status: criteria provided, single submitter. Criteria: Invitae Variant Classification Sherloc (09022015). Collection method: clinical testing. Allele origin: germline.
Comment: This sequence change replaces valine, which is neutral and non-polar, with methionine, which is neutral and non-polar, at codon 664 of the RHOBTB2 protein (p.Val664Met). This variant is present in population databases (rs201522021, gnomAD 0.06%), and has an allele count higher than expected for a pathogenic variant. This variant has not been reported in the literature in individuals affected with RHOBTB2-related conditions. ClinVar contains an entry for this variant (Variation ID: 1427928). Invitae Evidence Modeling of protein sequence and biophysical properties (such as structural, functional, and spatial information, amino acid conservation, physicochemical variation, residue mobility, and thermodynamic stability) indicates that this missense variant is not expected to disrupt RHOBTB2 protein function with a negative predictive value of 80%. In summary, the available evidence is currently insufficient to determine the role of this variant in disease. Therefore, it has been classified as a Variant of Uncertain Significance.